The following is an entry in ClinVar:

ClinVar aggregate classification (germline): Uncertain significance (1 of 4 stars; one submission).

Conditions:
Hereditary pancreatitis (PCTT). Also called: Hereditary chronic pancreatitis; PRSS1-Related Hereditary Pancreatitis. Identifiers: Orphanet 676, MedGen C0238339, MONDO:0008185, OMIM 167800.

Submission:

Ambry Genetics
Classification: Uncertain significance for Hereditary pancreatitis. Last evaluated: 2025-02-06. Review status: criteria provided, single submitter. Criteria: Ambry Variant Classification Scheme 2023. Collection method: clinical testing. Allele origin: germline.
Comment: The p.P155R variant (also known as c.464C>G), located in coding exon 4 of the PRSS1 gene, results from a C to G substitution at nucleotide position 464. The proline at codon 155 is replaced by arginine, an amino acid with dissimilar properties. This amino acid position is conserved. In addition, the in silico prediction for this alteration is inconclusive. Since supporting evidence is limited at this time, the clinical significance of this alteration remains unclear.

NM_002769.5(PRSS1):c.464C>G (p.Pro155Arg)

Genes: PRSS1 (serine protease 1; plus strand), TRB (T cell receptor beta locus; plus strand). Cytogenetic location: 7q34.
Variant type: single nucleotide variant.
Coding change: c.464C>G on transcript NM_002769.5 (MANE Select); coding-DNA position 464, C replaced by G.
Protein change: p.Pro155Arg; replaces proline 155 with arginine.
Molecular consequence: missense variant. On other transcripts: non-coding transcript variant (5).
Genome position (GRCh38, 1-based): chr7:142,752,440, C>G. VCF-style: chr7-142752440-C-G. GRCh37 (hg19) VCF-style: chr7-142460291-C-G.
Other names: short protein forms P155R.
Identifiers: ClinVar variation 1742168 (VCV001742168.3), dbSNP rs1333246826, ClinGen allele CA369609405.
Genomic context (GRCh38, chr7:142,752,440, plus strand): 5'-CTGGCCTGACCCACATTTCTACTTCCTTTGATCTCTTCCTGATCCTCACAGCCGACTACC[C>G]AGACGAGCTGCAGTGCCTGGATGCTCCTGTGCTGAGCCAGGCTAAGTGTGAAGCCTCCTA-3'
Protein context (NP_002760.1, residues 145-165): GNTASSGADY[Pro155Arg]DELQCLDAPV